The following is an entry in ClinVar:

NM_003850.3(SUCLA2):c.1313_1314delinsAC (p.Arg438Asn)

Gene: SUCLA2 (succinate-CoA ligase ADP-forming subunit beta; minus strand). Cytogenetic location: 13q14.2.
Variant type: Indel.
Coding change: c.1313_1314delinsAC on transcript NM_003850.3 (MANE Select); coding-DNA positions 1313 to 1314, GA replaced by AC.
Protein change: p.Arg438Asn; replaces arginine 438 with asparagine.
Molecular consequence: missense variant.
Genome position (GRCh38, 1-based): chr13:47,948,943-47,948,944, TC replaced by GT on the plus strand (GA replaced by AC on the coding strand, the reverse complement: SUCLA2 is on the minus strand). VCF-style: chr13-47948943-TC-GT. GRCh37 (hg19) VCF-style: chr13-48523078-TC-GT.
Other names: short protein forms R438N.
Identifiers: ClinVar variation 1961020 (VCV001961020.5), dbSNP rs2541667963, ClinGen allele CA2580087534.
Genomic context (GRCh38, chr13:47,948,943, plus strand): 5'-GGTTCATTTTAGAATCTGTGTTTATAAATCCTCCTTAGATGAACATGGCCAATTTACCAT[TC>GT]TAGCAGCTTCATCCAAGTCATCACAAGCAAGTATTTTAAGTCCACTGTCCGCTATCAGTG-3'
Protein context (NP_003841.1, residues 428-448): LACDDLDEAA[Arg438Asn]MVVKLSEIVT

ClinVar aggregate classification (germline): Uncertain significance (1 of 4 stars; one submission).

Conditions:
Mitochondrial DNA depletion syndrome, encephalomyopathic form with methylmalonic aciduria (MTDPS5). Also called: SUCLA2-Related Mitochondrial DNA Depletion Syndrome, Encephalomyopathic Form with Methylmalonic Aciduria; Mitochondrial encephalomyopathy aminoacidopathy; MITOCHONDRIAL DNA DEPLETION SYNDROME, ENCEPHALOMYOPATHIC FORM, WITH OR WITHOUT METHYLMALONIC ACIDURIA, AUTOSOMAL RECESSIVE, SUCLA2-RELATED; Mitochondrial DNA depletion syndrome 5 (encephalomyopathic with or without methylmalonic aciduria). Identifiers: Orphanet 1933, MedGen C5980207, MONDO:0012791, OMIM 612073.

Submission:

Labcorp Genetics (formerly Invitae), Labcorp
Classification: Uncertain significance for Mitochondrial DNA depletion syndrome, encephalomyopathic form with methylmalonic aciduria. Last evaluated: 2024-10-17. Review status: criteria provided, single submitter. Criteria: Invitae Variant Classification Sherloc (09022015). Collection method: clinical testing. Allele origin: germline.
Comment: This sequence change replaces arginine, which is basic and polar, with asparagine, which is neutral and polar, at codon 438 of the SUCLA2 protein (p.Arg438Asn). Information on the frequency of this variant in the gnomAD database is not available, as this variant may be reported differently in the database. This variant has not been reported in the literature in individuals affected with SUCLA2-related conditions. ClinVar contains an entry for this variant (Variation ID: 1961020). An algorithm developed to predict the effect of missense changes on protein structure and function (PolyPhen-2) suggests that this variant is likely to be tolerated. In summary, the available evidence is currently insufficient to determine the role of this variant in disease. Therefore, it has been classified as a Variant of Uncertain Significance.